The following is an entry in ClinVar:

ClinVar aggregate classification (germline): Uncertain significance. Review status: criteria provided, multiple submitters, no conflicts (2 of 4 stars). 2 submissions from 2 submitters: Uncertain significance (2). Last evaluated 2025-05-18.

Allele frequency attached by ClinVar (database versions not stated): TOPMed below 0.00001; gnomAD 0.00001; gnomAD exomes 0.00001.
gnomAD v4.1: 25 of 1,209,704 alleles (0.0021%); highest among the groups gnomAD compares: Non-Finnish European, 0.0027%; no homozygotes.

Submissions (2):

Labcorp Genetics (formerly Invitae), Labcorp
Classification: Uncertain significance. Last evaluated: 2025-05-18. Review status: criteria provided, single submitter. Criteria: Invitae Variant Classification Sherloc (09022015). Collection method: clinical testing. Allele origin: germline.
Comment: This sequence change replaces alanine, which is neutral and non-polar, with valine, which is neutral and non-polar, at codon 1610 of the CACNA1F protein (p.Ala1610Val). This variant is present in population databases (no rsID available, gnomAD 0.005%). This variant has not been reported in the literature in individuals affected with CACNA1F-related conditions. ClinVar contains an entry for this variant (Variation ID: 1345912). An algorithm developed to predict the effect of missense changes on protein structure and function (PolyPhen-2) suggests that this variant is likely to be tolerated. In summary, the available evidence is currently insufficient to determine the role of this variant in disease. Therefore, it has been classified as a Variant of Uncertain Significance.

Blueprint Genetics
Classification: Uncertain significance. Last evaluated: 2022-02-03. Review status: criteria provided, single submitter. Criteria: ACMG Guidelines, 2015. Collection method: clinical testing. Allele origin: germline.

NM_001256789.3(CACNA1F):c.4796C>T (p.Ala1599Val)

Genes: CACNA1F (calcium voltage-gated channel subunit alpha1 F; minus strand), LOC126863257 (BRD4-independent group 4 enhancer GRCh37_chrX:49065732-49066931; plus strand). Cytogenetic location: Xp11.23.
Variant type: single nucleotide variant.
Coding change: c.4796C>T on transcript NM_001256789.3 (MANE Select); coding-DNA position 4796, C replaced by T.
Protein change: p.Ala1599Val; replaces alanine 1599 with valine.
Molecular consequence: missense variant.
Genome position (GRCh38, 1-based): chrX:49,209,654, G>A on the plus strand (C>T on the coding strand, the complement: CACNA1F is on the minus strand). VCF-style: chrX-49209654-G-A. GRCh37 (hg19) VCF-style: chrX-49066114-G-A.
Other names: c.4634C>T, p.Ala1545Val (NM_001256790.3); c.4829C>T, p.Ala1610Val (NM_005183.4); short protein forms A1545V, A1599V, A1610V.
Identifiers: ClinVar variation 1345912 (VCV001345912.9), dbSNP rs1179753864, ClinGen allele CA412960193.
Genomic context (GRCh38, chrX:49,209,654, plus strand): 5'-ACGTGCCCATCCACACTAGGCCCTGCCCCGAAGACCTGAAGGGCGGAAGAGGTGCTAGGG[G>A]CGGCGTCGTTGCCTAGTAGCCCTTTTTCTTTCCTCCGCCGGAATTTGCGGAAATAGTCCT-3'
Protein context (NP_001243718.1, residues 1589-1609): KEKGLLGNDA[Ala1599Val]PSTSSALQAG